The following is an entry in ClinVar:

NM_004565.3(PEX14):c.1107C>T (p.Gly369=)

Gene: PEX14 (peroxisomal biogenesis factor 14; plus strand). Cytogenetic location: 1p36.22.
Variant type: single nucleotide variant.
Coding change: c.1107C>T on transcript NM_004565.3 (MANE Select); coding-DNA position 1107, C replaced by T.
Protein change: p.Gly369=; no amino-acid change (glycine 369 retained).
Molecular consequence: synonymous variant.
Genome position (GRCh38, 1-based): chr1:10,629,960, C>T. VCF-style: chr1-10629960-C-T. GRCh37 (hg19) VCF-style: chr1-10690017-C-T.
Identifiers: ClinVar variation 498151 (VCV000498151.18), dbSNP rs781098256, ClinGen allele CA584033.

ClinVar aggregate classification (germline): Conflicting classifications of pathogenicity. Review status: criteria provided, conflicting classifications (1 of 4 stars). 4 submissions from 4 submitters: Uncertain significance (1); Benign (1); Likely benign (2). Last evaluated 2026-05-01.

Conditions:
Peroxisome biogenesis disorder, complementation group K (CGK). Identifiers: MedGen C1866257, MONDO:0800365.

Allele frequency attached by ClinVar (database versions not stated): gnomAD 0.00007; gnomAD exomes 0.00013 and 0.00052; TOPMed 0.00027; ExAC 0.00047.
gnomAD v4.1: 189 of 1,610,600 alleles (0.012%); highest among the groups gnomAD compares: Admixed American, 0.25%; no homozygotes.

Submissions (4):

CeGaT Center for Human Genetics Tuebingen
Classification: Likely benign. Last evaluated: 2026-05-01. Review status: criteria provided, single submitter. Criteria: CeGaT Center For Human Genetics Tuebingen Variant Classification Criteria Version 2. Collection method: clinical testing. Allele origin: germline. Affected: yes. Observed: 1 variant allele.
Comment: PEX14: BP4, BP7

Labcorp Genetics (formerly Invitae), Labcorp
Classification: Benign for Peroxisome biogenesis disorder, complementation group K. Last evaluated: 2026-01-12. Review status: criteria provided, single submitter. Criteria: Invitae Variant Classification Sherloc (09022015). Collection method: clinical testing. Allele origin: germline.

Blueprint Genetics
Classification: Likely benign. Last evaluated: 2024-10-11. Review status: criteria provided, single submitter. Criteria: ACMG Guidelines, 2015. Collection method: clinical testing. Allele origin: germline.

Eurofins Ntd Llc (ga)
Classification: Uncertain significance. Last evaluated: 2018-08-09. Review status: criteria provided, single submitter. Criteria: EGL ClinVar v180209 classification definitions. Collection method: clinical testing. Allele origin: germline. Observed: 6 variant alleles, 6 heterozygotes.